The following is an entry in ClinVar:

NM_014112.5(TRPS1):c.2700+1G>C

Gene: TRPS1 (transcriptional repressor GATA binding 1; minus strand). Cytogenetic location: 8q23.3.
Variant type: single nucleotide variant.
Coding change: c.2700+1G>C on transcript NM_014112.5 (MANE Select); the canonical splice donor site of the intron after coding-DNA position 2700, G replaced by C.
Molecular consequence: splice donor variant.
Genome position (GRCh38, 1-based): chr8:115,587,000, C>G on the plus strand (G>C on the coding strand, the complement: TRPS1 is on the minus strand). VCF-style: chr8-115587000-C-G. GRCh37 (hg19) VCF-style: chr8-116599227-C-G.
Other names: c.2661+1G>C (NM_001330599.2); c.2679+1G>C (NM_001282903.3); c.2673+1G>C (NM_001282902.3).
Identifiers: ClinVar variation 3760373 (VCV003760373.2).

ClinVar aggregate classification (germline): Likely pathogenic (1 of 4 stars; one submission).

Conditions:
Trichorhinophalangeal dysplasia type I (TRPS1). Also called: TRICHORHINOPHALANGEAL SYNDROME, TYPE I; TRPS I. Identifiers: Orphanet 77258, MedGen C0432233, MONDO:0008596, OMIM 190350.
Trichorhinophalangeal syndrome, type III (TRPS3). Also called: SUGIO-KAJII SYNDROME. Identifiers: Orphanet 77258, MedGen C1860823, OMIM 190351, MONDO:0008597.

Submission:

Labcorp Genetics (formerly Invitae), Labcorp
Classification: Likely pathogenic for Trichorhinophalangeal syndrome, type III; Trichorhinophalangeal dysplasia type I. Last evaluated: 2025-01-20. Review status: criteria provided, single submitter. Criteria: Invitae Variant Classification Sherloc (09022015). Collection method: clinical testing. Allele origin: germline.
Comment: This sequence change affects a donor splice site in intron 5 of the TRPS1 gene. It is expected to disrupt RNA splicing. Variants that disrupt the donor or acceptor splice site typically lead to a loss of protein function (PMID: 16199547), and loss-of-function variants in TRPS1 are known to be pathogenic (PMID: 11112658). This variant is not present in population databases (gnomAD no frequency). This variant has not been reported in the literature in individuals affected with TRPS1-related conditions. Algorithms developed to predict the effect of sequence changes on RNA splicing suggest that this variant may disrupt the consensus splice site. In summary, the currently available evidence indicates that the variant is pathogenic, but additional data are needed to prove that conclusively. Therefore, this variant has been classified as Likely Pathogenic.

Literature cited by the submitters: PubMed 16199547; PubMed 11112658.